The following is an entry in ClinVar:

ClinVar aggregate classification (germline): Uncertain significance (1 of 4 stars; one submission).

Conditions:
Familial hypercholesterolemia. Also called: Familial hypercholesterolaemia. Identifiers: MedGen C0020445, MONDO:0005439.

Allele frequency attached by ClinVar (database versions not stated): ExAC 0.00001.

Submission:

Color Diagnostics, LLC DBA Color Health
Classification: Uncertain significance for Familial hypercholesterolemia. Last evaluated: 2023-10-03. Review status: criteria provided, single submitter. Criteria: ACMG Guidelines, 2015. Collection method: clinical testing. Allele origin: germline.
Comment: This missense variant replaces valine with isoleucine at codon 656 of the PCSK9 protein. Computational prediction suggests that this variant may not impact protein structure and function (internally defined REVEL score threshold <= 0.5, PMID: 27666373). To our knowledge, functional studies have not been reported for this variant. This variant has not been reported in individuals affected with PCSK9-related disorders in the literature. This variant has been identified in 1/250970 chromosomes in the general population by the Genome Aggregation Database (gnomAD). The available evidence is insufficient to determine the role of this variant in disease conclusively. Therefore, this variant is classified as a Variant of Uncertain Significance.

NM_174936.4(PCSK9):c.1966G>A (p.Val656Ile)

Gene: PCSK9 (proprotein convertase subtilisin/kexin type 9; plus strand). Cytogenetic location: 1p32.3.
Variant type: single nucleotide variant.
Coding change: c.1966G>A on transcript NM_174936.4 (MANE Select); coding-DNA position 1966, G replaced by A.
Protein change: p.Val656Ile; replaces valine 656 with isoleucine.
Molecular consequence: missense variant. On other transcripts: non-coding transcript variant (8).
Genome position (GRCh38, 1-based): chr1:55,063,471, G>A. VCF-style: chr1-55063471-G-A. GRCh37 (hg19) VCF-style: chr1-55529144-G-A.
Other names: c.2089G>A, p.Val697Ile (NM_001407240.1); c.2008G>A, p.Val670Ile (NM_001407241.1); c.1969G>A, p.Val657Ile (NM_001407242.1); c.1909G>A, p.Val637Ile (NM_001407243.1); c.1792G>A, p.Val598Ile (NM_001407244.1); c.1774G>A, p.Val592Ile (NM_001407245.1); c.1591G>A, p.Val531Ile (NM_001407246.1); c.1465G>A, p.Val489Ile (NM_001407247.1); short protein forms V592I, V637I, V531I, V656I, V670I, V489I, V697I, V598I.
Identifiers: ClinVar variation 2774068 (VCV002774068.2), dbSNP rs757109873, ClinGen allele CA039971.